The following is an entry in ClinVar:

ClinVar aggregate classification (germline): Uncertain significance. Review status: criteria provided, multiple submitters, no conflicts (2 of 4 stars). 2 submissions from 2 submitters: Uncertain significance (2). Last evaluated 2026-04-22.

Conditions:
PLXNA1-related disorder. Also called: PLXNA1-related condition.

Allele frequency attached by ClinVar (database versions not stated): gnomAD 0.00003; TOPMed 0.00005; ExAC 0.00007; ESP Exome Variant Server 0.00008; gnomAD exomes 0.00010.
gnomAD v4.1: 160 of 1,613,134 alleles (0.0099%); highest among the groups gnomAD compares: Non-Finnish European, 0.012%; no homozygotes.

Submissions (2):

PreventionGenetics, part of Exact Sciences
Classification: Uncertain significance for PLXNA1-related condition. Last evaluated: 2026-04-22. Review status: criteria provided, single submitter. Criteria: ACMG Guidelines, 2015. Collection method: clinical testing. Allele origin: germline.
Comment: The PLXNA1 c.3316G>A variant is predicted to result in the amino acid substitution p.Ala1106Thr. To our knowledge, this variant has not been reported in the literature. This variant is reported in 0.012% of alleles in individuals of European (Non-Finnish) descent in gnomAD. A different variant affecting the same amino acid (p.Ala1106Val) was reported as uncertain in one individual with hypogonadotropic hypogonadism, who also carried a variant in the NR0B1 gene (Tables 1 & 2, Men et al. 2021. PubMed ID: 34636164 ). At this time, the clinical significance of this variant is uncertain due to the absence of conclusive functional and genetic evidence.

Labcorp Genetics (formerly Invitae), Labcorp
Classification: Uncertain significance. Last evaluated: 2022-05-18. Review status: criteria provided, single submitter. Criteria: Invitae Variant Classification Sherloc (09022015). Collection method: clinical testing. Allele origin: germline.
Comment: This sequence change replaces alanine, which is neutral and non-polar, with threonine, which is neutral and polar, at codon 1106 of the PLXNA1 protein (p.Ala1106Thr). This variant is present in population databases (rs369260755, gnomAD 0.01%). This variant has not been reported in the literature in individuals affected with PLXNA1-related conditions. Algorithms developed to predict the effect of missense changes on protein structure and function are either unavailable or do not agree on the potential impact of this missense change (SIFT: "Tolerated"; PolyPhen-2: "Possibly Damaging"; Align-GVGD: "Class C0"). In summary, the available evidence is currently insufficient to determine the role of this variant in disease. Therefore, it has been classified as a Variant of Uncertain Significance.

NM_032242.4(PLXNA1):c.3316G>A (p.Ala1106Thr)

Gene: PLXNA1 (plexin A1; plus strand). Cytogenetic location: 3q21.3.
Variant type: single nucleotide variant.
Coding change: c.3316G>A on transcript NM_032242.4 (MANE Select); coding-DNA position 3316, G replaced by A.
Protein change: p.Ala1106Thr; replaces alanine 1106 with threonine.
Molecular consequence: missense variant.
Genome position (GRCh38, 1-based): chr3:127,017,464, G>A. VCF-style: chr3-127017464-G-A. GRCh37 (hg19) VCF-style: chr3-126736307-G-A.
Other names: c.3316G>A (NM_032242.3); short protein forms A1106T.
Identifiers: ClinVar variation 2061780 (VCV002061780.8), dbSNP rs369260755, ClinGen allele CA2593983.